The following is an entry in ClinVar:

NM_002227.4(JAK1):c.861G>T (p.Glu287Asp)

Gene: JAK1 (Janus kinase 1; minus strand). Cytogenetic location: 1p31.3.
Variant type: single nucleotide variant.
Coding change: c.861G>T on transcript NM_002227.4 (MANE Select); coding-DNA position 861, G replaced by T.
Protein change: p.Glu287Asp; replaces glutamic acid 287 with aspartic acid.
Molecular consequence: missense variant.
Genome position (GRCh38, 1-based): chr1:64,866,995, C>A on the plus strand (G>T on the coding strand, the complement: JAK1 is on the minus strand). VCF-style: chr1-64866995-C-A. GRCh37 (hg19) VCF-style: chr1-65332678-C-A.
Other names: c.861G>T, p.Glu287Asp (NM_001320923.2, NM_001321852.2, NM_001321853.2 and 4 more transcripts); short protein forms E287D.
Identifiers: ClinVar variation 2694586 (VCV002694586.3), dbSNP rs2101114735, ClinGen allele CA340675179.

ClinVar aggregate classification (germline): Uncertain significance (1 of 4 stars; one submission).

Submission:

Labcorp Genetics (formerly Invitae), Labcorp
Classification: Uncertain significance. Last evaluated: 2024-10-24. Review status: criteria provided, single submitter. Criteria: Invitae Variant Classification Sherloc (09022015). Collection method: clinical testing. Allele origin: germline.
Comment: This sequence change replaces glutamic acid, which is acidic and polar, with aspartic acid, which is acidic and polar, at codon 287 of the JAK1 protein (p.Glu287Asp). This variant is not present in population databases (gnomAD no frequency). This variant has not been reported in the literature in individuals affected with JAK1-related conditions. Invitae Evidence Modeling of protein sequence and biophysical properties (such as structural, functional, and spatial information, amino acid conservation, physicochemical variation, residue mobility, and thermodynamic stability) indicates that this missense variant is not expected to disrupt JAK1 protein function with a negative predictive value of 80%. In summary, the available evidence is currently insufficient to determine the role of this variant in disease. Therefore, it has been classified as a Variant of Uncertain Significance.